The following is an entry in ClinVar:

NM_001242896.3(DEPDC5):c.3264G>A (p.Lys1088=)

Gene: DEPDC5 (DEP domain containing 5, GATOR1 subcomplex subunit; plus strand). Cytogenetic location: 22q12.3.
Variant type: single nucleotide variant.
Coding change: c.3264G>A on transcript NM_001242896.3 (MANE Select); coding-DNA position 3264, G replaced by A.
Protein change: p.Lys1088=; no amino-acid change (lysine 1088 retained).
Molecular consequence: synonymous variant. On other transcripts: non-coding transcript variant (5).
Genome position (GRCh38, 1-based): chr22:31,857,553, G>A. VCF-style: chr22-31857553-G-A. GRCh37 (hg19) VCF-style: chr22-32253539-G-A.
Other names: c.3237G>A, p.Lys1079= (NM_001136029.4, NM_001369903.1, NM_014662.6); c.3030G>A, p.Lys1010= (NM_001242897.2, NM_001363854.2, NM_001364319.2); c.3264G>A, p.Lys1088= (NM_001363852.2, NM_001364318.2, NM_001364320.2); c.3180G>A, p.Lys1060= (NM_001369901.1, NM_001369902.1).
Identifiers: ClinVar variation 2504652 (VCV002504652.4), dbSNP rs2521251181, ClinGen allele CA514267813.

ClinVar aggregate classification (germline): Likely pathogenic (1 of 4 stars; one submission).

Conditions:
Epilepsy, familial focal, with variable foci 1 (FFEVF1). Also called: DEPDC5-Related Epilepsy. Identifiers: MedGen C4551983, MONDO:0024556, OMIM 604364.

Submission:

Laboratory of Functional Genomics, Research Centre for Medical Genetics
Classification: Likely pathogenic for Epilepsy, familial focal, with variable foci 1. Review status: criteria provided, single submitter. Criteria: ACMG Guidelines, 2015. Collection method: clinical testing, research. Allele origin: inherited, not applicable. Inheritance: Autosomal dominant inheritance. Affected: yes. Observed: 1 heterozygote. Functional consequence: effect on RNA splicing.
Comment: The variant c.3264G>A in the DEPDC5 gene could be classified as a likely pathogenic variant according to ACMG criteria (PM2, PS3). It is absent from large population studies and databases. We analyzed the c.3264G>A variant using RT-PCR on cDNA obtained from patient's fibroblasts and PBMCs. It leads to exon 32 extension by 136 nucleotides and the formation of a premature stop codon at the mRNA level.